The following is an entry in ClinVar:

NM_000038.6(APC):c.3970C>T (p.Pro1324Ser)

Gene: APC (APC regulator of Wnt signaling pathway; plus strand). Cytogenetic location: 5q22.2.
Variant type: single nucleotide variant.
Coding change: c.3970C>T on transcript NM_000038.6 (MANE Select); coding-DNA position 3970, C replaced by T.
Protein change: p.Pro1324Ser; replaces proline 1324 with serine.
Molecular consequence: missense variant.
Genome position (GRCh38, 1-based): chr5:112,839,564, C>T. VCF-style: chr5-112839564-C-T. GRCh37 (hg19) VCF-style: chr5-112175261-C-T.
Other names: c.3970C>T, p.Pro1324Ser (NM_001127510.3, NM_001354895.2); c.3916C>T, p.Pro1306Ser (NM_001127511.3); c.4024C>T, p.Pro1342Ser (NM_001354896.2); c.4000C>T, p.Pro1334Ser (NM_001354897.2); c.3895C>T, p.Pro1299Ser (NM_001354898.2); c.3886C>T, p.Pro1296Ser (NM_001354899.2); c.3847C>T, p.Pro1283Ser (NM_001354900.2); c.3793C>T, p.Pro1265Ser (NM_001354901.2); and 5 more; short protein forms P1306S, P1324S, P1041S, P1223S, P1265S, P1342S, P1164S, P1198S.
Identifiers: ClinVar variation 141312 (VCV000141312.13), dbSNP rs587779792, ClinGen allele CA008843.

ClinVar aggregate classification (germline): Uncertain significance. Review status: criteria provided, multiple submitters, no conflicts (2 of 4 stars). 4 submissions from 4 submitters: Uncertain significance (4). Last evaluated 2025-05-06.

Conditions:
Classic or attenuated familial adenomatous polyposis. Identifiers: MedGen CN372698, MONDO:0021057.
Hereditary cancer-predisposing syndrome. Also called: Neoplastic Syndromes, Hereditary; Tumor predisposition; Hereditary Cancer Syndrome; Hereditary neoplastic syndrome. Identifiers: Orphanet 140162, MedGen C0027672, MeSH D009386, MONDO:0015356.
Familial adenomatous polyposis 1 (FAP1). Also called: FAMILIAL ADENOMATOUS POLYPOSIS 1, ATTENUATED; POLYPOSIS, ADENOMATOUS INTESTINAL. Identifiers: MedGen C2713442, MONDO:0021056, OMIM 175100. Disease mechanism: loss of function.

Allele frequency attached by ClinVar (database versions not stated): TOPMed below 0.00001; gnomAD 0.00001.
gnomAD v4.1: 2 of 1,614,052 alleles (0.00012%); highest among the groups gnomAD compares: African/African-American, 0.0013%; no homozygotes.

Submissions (4):

Labcorp Genetics (formerly Invitae), Labcorp
Classification: Uncertain significance for Familial adenomatous polyposis 1. Last evaluated: 2025-05-06. Review status: criteria provided, single submitter. Criteria: Invitae Variant Classification Sherloc (09022015). Collection method: clinical testing. Allele origin: germline.
Comment: This sequence change replaces proline, which is neutral and non-polar, with serine, which is neutral and polar, at codon 1324 of the APC protein (p.Pro1324Ser). This variant is present in population databases (rs587779792, gnomAD 0.01%). This variant has not been reported in the literature in individuals affected with APC-related conditions. ClinVar contains an entry for this variant (Variation ID: 141312). Invitae Evidence Modeling of protein sequence and biophysical properties (such as structural, functional, and spatial information, amino acid conservation, physicochemical variation, residue mobility, and thermodynamic stability) indicates that this missense variant is not expected to disrupt APC protein function with a negative predictive value of 95%. In summary, the available evidence is currently insufficient to determine the role of this variant in disease. Therefore, it has been classified as a Variant of Uncertain Significance.

Ambry Genetics
Classification: Uncertain significance for Hereditary cancer-predisposing syndrome. Last evaluated: 2025-03-06. Review status: criteria provided, single submitter. Criteria: Ambry Variant Classification Scheme 2023. Collection method: clinical testing. Allele origin: germline.
Comment: The p.P1324S variant (also known as c.3970C>T), located in coding exon 15 of the APC gene, results from a C to T substitution at nucleotide position 3970. The proline at codon 1324 is replaced by serine, an amino acid with similar properties. This amino acid position is not well conserved in available vertebrate species, and serine is the reference amino acid in other vertebrate species. In addition, in silico predictors for this gene do not accurately predict pathogenicity. Since supporting evidence is limited at this time, the clinical significance of this alteration remains unclear.

All of Us Research Program, National Institutes of Health
Classification: Uncertain significance for Classic or attenuated familial adenomatous polyposis. Last evaluated: 2023-08-25. Review status: criteria provided, single submitter. Criteria: ACMG Guidelines, 2015. Collection method: clinical testing. Allele origin: germline. Inheritance: Autosomal dominant inheritance. Observed: 2 variant alleles, 2 heterozygotes.
Comment: This study involves interpretation of variants in research participants for the purpose of population health screening. Participant phenotype was not available at the time of variant classification. Additional details can be found in publication PMID: 35346344, PMCID: PMC8962531

Color Diagnostics, LLC DBA Color Health
Classification: Uncertain significance for Hereditary cancer-predisposing syndrome. Last evaluated: 2019-02-23. Review status: criteria provided, single submitter. Criteria: ACMG Guidelines, 2015. Collection method: clinical testing. Allele origin: germline.